The following is an entry in ClinVar:

ClinVar aggregate classification (germline): Uncertain significance (1 of 4 stars; one submission).

Allele frequency attached by ClinVar (database versions not stated): gnomAD exomes below 0.00001; TOPMed below 0.00001; ExAC 0.00001; gnomAD 0.00001.
gnomAD v4.1: 2 of 1,614,078 alleles (0.00012%); highest among the groups gnomAD compares: Non-Finnish European, 0.00017%; no homozygotes.

Submission:

GeneDx
Classification: Uncertain significance. Last evaluated: 2022-03-09. Review status: criteria provided, single submitter. Criteria: GeneDx Variant Classification Process June 2021. Collection method: clinical testing. Allele origin: germline. Affected: yes.
Comment: In silico analysis supports that this missense variant has a deleterious effect on protein structure/function; Has not been previously published as pathogenic or benign to our knowledge

NM_001273.5(CHD4):c.559C>T (p.Pro187Ser)

Gene: CHD4 (chromodomain helicase DNA binding protein 4; minus strand). Cytogenetic location: 12p13.31.
Variant type: single nucleotide variant.
Coding change: c.559C>T on transcript NM_001273.5 (MANE Select); coding-DNA position 559, C replaced by T.
Protein change: p.Pro187Ser; replaces proline 187 with serine.
Molecular consequence: missense variant.
Genome position (GRCh38, 1-based): chr12:6,601,529, G>A on the plus strand (C>T on the coding strand, the complement: CHD4 is on the minus strand). VCF-style: chr12-6601529-G-A. GRCh37 (hg19) VCF-style: chr12-6710695-G-A.
Other names: c.538C>T, p.Pro180Ser (NM_001297553.2); c.559C>T, p.Pro187Ser (NM_001363606.2); short protein forms P180S, P187S.
Identifiers: ClinVar variation 1706301 (VCV001706301.2), dbSNP rs760392657, ClinGen allele CA6412454.